The following is an entry in ClinVar:

NM_001164508.2(NEB):c.25396A>G (p.Thr8466Ala)

Genes: NEB (nebulin; minus strand), RIF1 (replication timing regulatory factor 1; plus strand). Cytogenetic location: 2q23.3.
Variant type: single nucleotide variant.
Coding change: c.25396A>G on transcript NM_001164508.2 (MANE Select); coding-DNA position 25396, A replaced by G.
Protein change: p.Thr8466Ala; replaces threonine 8466 with alanine.
Molecular consequence: missense variant.
Genome position (GRCh38, 1-based): chr2:151,489,979, T>C on the plus strand (A>G on the coding strand, the complement: NEB is on the minus strand). VCF-style: chr2-151489979-T-C. GRCh37 (hg19) VCF-style: chr2-152346493-T-C.
Other names: c.25396A>G, p.Thr8466Ala (NM_001164507.2); c.25501A>G, p.Thr8501Ala (NM_001271208.2); c.19828A>G, p.Thr6610Ala (NM_004543.5); short protein forms T6610A, T8466A, T8501A.
Identifiers: ClinVar variation 1350140 (VCV001350140.8), dbSNP rs2152762849, ClinGen allele CA348770683.
Genomic context (GRCh38, chr2:151,489,979, plus strand): 5'-CACATATCAAAAATTAAGAATAATTTATTTAAGTGAGTTGTTATTCACTTACTCCAGCAG[T>C]AGATGGATGAGATGGGATGGAAGATACCGTTGTCTGTTGGGTAGCAACTGAAGATGATCG-3'
Protein context (NP_001157980.2, residues 8456-8476): TVSSIPSHPS[Thr8466Ala]AGKIFRAMYD

ClinVar aggregate classification (germline): Uncertain significance (1 of 4 stars; one submission).

Conditions:
Nemaline myopathy 2 (NEM2). Also called: Nemaline myopathy 2, autosomal recessive. Identifiers: MedGen C1850569, MONDO:0009725, OMIM 256030.

Submission:

Labcorp Genetics (formerly Invitae), Labcorp
Classification: Uncertain significance for Nemaline myopathy 2. Last evaluated: 2021-01-14. Review status: criteria provided, single submitter. Criteria: Invitae Variant Classification Sherloc (09022015). Collection method: clinical testing. Allele origin: germline.
Comment: In summary, the available evidence is currently insufficient to determine the role of this variant in disease. Therefore, it has been classified as a Variant of Uncertain Significance. Algorithms developed to predict the effect of missense changes on protein structure and function are either unavailable or do not agree on the potential impact of this missense change (SIFT: "Deleterious"; PolyPhen-2: "Not Available"; Align-GVGD: "Class C0"). This variant has not been reported in the literature in individuals with NEB-related conditions. This variant is not present in population databases (ExAC no frequency). This sequence change replaces threonine with alanine at codon 8501 of the NEB protein (p.Thr8501Ala). The threonine residue is moderately conserved and there is a small physicochemical difference between threonine and alanine.